The following is an entry in ClinVar:

ClinVar aggregate classification (germline): Pathogenic/Likely pathogenic. Review status: criteria provided, multiple submitters, no conflicts (2 of 4 stars). 3 submissions from 3 submitters: Pathogenic (2); Likely pathogenic (1). Last evaluated 2024-05-08.

Conditions:
Autosomal recessive nonsyndromic hearing loss 77. Identifiers: Orphanet 90636, MedGen C2746083, MONDO:0013119, OMIM 613079.
Hearing impairment. Also called: Impaired Hearing. Identifiers: MedGen C1384666, MONDO:0005365, HP:0000365.

Submissions (3):

Myriad Genetics, Inc.
Classification: Pathogenic for Autosomal recessive nonsyndromic hearing loss 77. Last evaluated: 2024-05-08. Review status: criteria provided, single submitter. Criteria: Myriad Autosomal Dominant, Autosomal Recessive and X-Linked Classification Criteria (2023). Collection method: clinical testing. Allele origin: unknown.
Comment: NM_144612.6(LOXHD1):c.5721T>A(Y1907*) is expected to be pathogenic in the context of nonsyndromic hearing loss, LOXHD1-related. This variant is predicted to lead to an abnormal or absent protein product due to the creation of a premature termination codon in LOXHD1, a gene where loss-of-function variants are known to be pathogenic. Please note: this variant was assessed in the context of healthy population screening.

Labcorp Genetics (formerly Invitae), Labcorp
Classification: Pathogenic. Last evaluated: 2023-05-01. Review status: criteria provided, single submitter. Criteria: Invitae Variant Classification Sherloc (09022015). Collection method: clinical testing. Allele origin: germline.
Comment: This sequence change creates a premature translational stop signal (p.Tyr1907*) in the LOXHD1 gene. It is expected to result in an absent or disrupted protein product. Loss-of-function variants in LOXHD1 are known to be pathogenic (PMID: 19732867, 21465660, 25792669). This variant is not present in population databases (gnomAD no frequency). This variant has not been reported in the literature in individuals affected with LOXHD1-related conditions. ClinVar contains an entry for this variant (Variation ID: 1064938). For these reasons, this variant has been classified as Pathogenic.

Department of Otolaryngology – Head & Neck Surgery, Cochlear Implant Center
Classification: Likely pathogenic for Hearing impairment. Last evaluated: 2021-04-12. Review status: criteria provided, single submitter. Criteria: ClinGen HL ACMG Specifications v1. Collection method: clinical testing. Allele origin: germline. Affected: yes.
Comment: PVS1_Strong, PM2_Moderate, BP4_Supporting

Literature cited by the submitters: PubMed 19732867 (cited by Labcorp Genetics (formerly Invitae), Labcorp); PubMed 21465660 (cited by Labcorp Genetics (formerly Invitae), Labcorp); PubMed 25792669 (cited by Labcorp Genetics (formerly Invitae), Labcorp).

NM_001384474.1(LOXHD1):c.5907T>A (p.Tyr1969Ter)

Gene: LOXHD1 (lipoxygenase homology PLAT domains 1; minus strand). Cytogenetic location: 18q21.1.
Variant type: single nucleotide variant.
Coding change: c.5907T>A on transcript NM_001384474.1 (MANE Select); coding-DNA position 5907, T replaced by A.
Protein change: p.Tyr1969Ter; replaces tyrosine 1969 with a stop codon.
Molecular consequence: nonsense.
Genome position (GRCh38, 1-based): chr18:46,489,114, A>T on the plus strand (T>A on the coding strand, the complement: LOXHD1 is on the minus strand). VCF-style: chr18-46489114-A-T. GRCh37 (hg19) VCF-style: chr18-44069077-A-T.
Other names: c.5721T>A, p.Tyr1907Ter (NM_144612.7); c.2574T>A, p.Tyr858Ter (NM_001145472.3); c.624T>A, p.Tyr208Ter (NM_001145473.3, NM_001173129.2); c.2286T>A, p.Tyr762Ter (NM_001308013.2); short protein forms Y1907*, Y1969*, Y208*, Y762*, Y858*.
Identifiers: ClinVar variation 1064938 (VCV001064938.7), dbSNP rs1598827506, ClinGen allele CA402366819.
Genomic context (GRCh38, chr18:46,489,114, plus strand): 5'-GAGCCAGCAGTCACACTGGAAGTGGAAGGTCTCGTCGCGGGAGTTGTCCTTCACATCGAC[A>T]TAGCTCAGATGCCAGCCAGGAAATATCCCTGTGGAAAAGACACCATGGGGGTTGGAAGCT-3'